The following is an entry in ClinVar:

NM_152618.3(BBS12):c.110A>T (p.Lys37Ile)

Gene: BBS12 (Bardet-Biedl syndrome 12; plus strand). Cytogenetic location: 4q27.
Variant type: single nucleotide variant.
Coding change: c.110A>T on transcript NM_152618.3 (MANE Select); coding-DNA position 110, A replaced by T.
Protein change: p.Lys37Ile; replaces lysine 37 with isoleucine.
Molecular consequence: missense variant.
Genome position (GRCh38, 1-based): chr4:122,742,002, A>T. VCF-style: chr4-122742002-A-T. GRCh37 (hg19) VCF-style: chr4-123663157-A-T.
Other names: c.110A>T, p.Lys37Ile (NM_001178007.2); short protein forms K37I.
Identifiers: ClinVar variation 4982798 (VCV004982798.1).

ClinVar aggregate classification (germline): Uncertain significance (1 of 4 stars; one submission).

Conditions:
BBS12-related disorder. Also called: BBS12-related condition.

gnomAD v4.1: 1 of 1,613,350 alleles (0.000062%); highest among the groups gnomAD compares: Admixed American, 0.0017%; no homozygotes.

Submission:

PreventionGenetics, part of Exact Sciences
Classification: Uncertain significance for BBS12-related condition. Last evaluated: 2025-03-23. Review status: criteria provided, single submitter. Criteria: ACMG Guidelines, 2015. Collection method: clinical testing. Allele origin: germline.
Comment: The BBS12 c.110A>T variant is predicted to result in the amino acid substitution p.Lys37Ile. To our knowledge, this variant has not been reported in the literature or in a large population database (gnomAD), indicating this variant is rare. At this time, the clinical significance of this variant is uncertain due to the absence of conclusive functional and genetic evidence.